The following is an entry in ClinVar:

ClinVar aggregate classification (germline): Pathogenic. Review status: criteria provided, multiple submitters, no conflicts (2 of 4 stars). 3 submissions from 3 submitters: Pathogenic (3). Last evaluated 2025-09-14.

Conditions:
Developmental and epileptic encephalopathy, 80. Also called: EPILEPTIC ENCEPHALOPATHY, EARLY INFANTILE, 80; GLYCOSYLPHOSPHATIDYLINOSITOL BIOSYNTHESIS DEFECT 20. Identifiers: MedGen C5231418, MONDO:0032822, OMIM 618580.

Allele frequency attached by ClinVar (database versions not stated): gnomAD exomes below 0.00001; TOPMed 0.00001; gnomAD 0.00001.
gnomAD v4.1: 3 of 1,602,740 alleles (0.00019%); highest among the groups gnomAD compares: East Asian, 0.0022%; no homozygotes.

Submissions (3):

Labcorp Genetics (formerly Invitae), Labcorp
Classification: Pathogenic. Last evaluated: 2025-09-14. Review status: criteria provided, single submitter. Criteria: Invitae Variant Classification Sherloc (09022015). Collection method: clinical testing. Allele origin: germline.
Comment: This sequence change creates a premature translational stop signal (p.Leu131*) in the PIGB gene. It is expected to result in an absent or disrupted protein product. Loss-of-function variants in PIGB are known to be pathogenic (PMID: 31256876, 34400385). This variant is present in population databases (no rsID available, gnomAD 0.003%). This premature translational stop signal has been observed in individual(s) with PIGB-related conditions (PMID: 31256876). ClinVar contains an entry for this variant (Variation ID: 976714). For these reasons, this variant has been classified as Pathogenic.

Dasa
Classification: Pathogenic. Last evaluated: 2025-07-16. Review status: criteria provided, single submitter. Criteria: DASA Assertion Criteria. Collection method: clinical testing. Allele origin: germline.
Comment: NM_004855.5(PIGB):c.392T>G (p.Leu131*) introduces a premature termination codon predicted to result in loss of normal protein function. Loss-of-function is an established mechanism of disease for this gene. This variant has been observed in affected individuals with related phenotype in a genotype context consistent with recessive disease (PMID: 31256876). This variant has been reported in individuals with related phenotype (PMID: 31256876). The variant is present at low frequency in population datasets. Based on the available data, this variant is classified as pathogenic.

Institute of Human Genetics Munich, TUM University Hospital
Classification: Pathogenic for Developmental and epileptic encephalopathy, 80. Last evaluated: 2020-04-28. Review status: criteria provided, single submitter. Criteria: Classification criteria August 2017. Collection method: clinical testing. Allele origin: maternal. Inheritance: Autosomal recessive inheritance. Affected: yes. Observed: 1 compound heterozygote.

Literature cited by the submitters: PubMed 31256876 (cited by Labcorp Genetics (formerly Invitae), Labcorp and Dasa); PubMed 34400385 (cited by Labcorp Genetics (formerly Invitae), Labcorp).

NM_004855.5(PIGB):c.392T>G (p.Leu131Ter)

Gene: PIGB (phosphatidylinositol glycan anchor biosynthesis class B; plus strand). Cytogenetic location: 15q21.3.
Variant type: single nucleotide variant.
Coding change: c.392T>G on transcript NM_004855.5 (MANE Select); coding-DNA position 392, T replaced by G.
Protein change: p.Leu131Ter; replaces leucine 131 with a stop codon.
Molecular consequence: nonsense.
Genome position (GRCh38, 1-based): chr15:55,321,365, T>G. VCF-style: chr15-55321365-T-G. GRCh37 (hg19) VCF-style: chr15-55613563-T-G.
Other names: short protein forms L131*.
Identifiers: ClinVar variation 976714 (VCV000976714.10), dbSNP rs923907091, ClinGen allele CA270776161.
Genomic context (GRCh38, chr15:55,321,365, plus strand): 5'-GACTGAGGAGTTACACTTATCCCTTAATCTTTGCAAGCATTTACAAGATTCTTCATCTTT[T>G]AGGGAAAGATAGTGTTCAGTTGCTGGTAAGTTTAAATAAAAGTAACTAAATGATATTGGG-3'